The following is an entry in ClinVar:

NM_004082.5(DCTN1):c.1363C>T (p.Arg455Cys)

Gene: DCTN1 (dynactin subunit 1; minus strand). Cytogenetic location: 2p13.1.
Variant type: single nucleotide variant.
Coding change: c.1363C>T on transcript NM_004082.5 (MANE Select); coding-DNA position 1363, C replaced by T.
Protein change: p.Arg455Cys; replaces arginine 455 with cysteine.
Molecular consequence: missense variant. On other transcripts: non-coding transcript variant (1).
Genome position (GRCh38, 1-based): chr2:74,369,994, G>A on the plus strand (C>T on the coding strand, the complement: DCTN1 is on the minus strand). VCF-style: chr2-74369994-G-A. GRCh37 (hg19) VCF-style: chr2-74597121-G-A.
Other names: c.1303C>T, p.Arg435Cys (NM_001135040.3); c.961C>T, p.Arg321Cys (NM_001135041.3, NM_023019.4); c.1252C>T, p.Arg418Cys (NM_001190836.2); c.1342C>T, p.Arg448Cys (NM_001190837.2); c.1312C>T, p.Arg438Cys (NM_001378991.1); c.1294C>T, p.Arg432Cys (NM_001378992.1); short protein forms R321C, R418C, R432C, R435C, R438C, R448C, R455C.
Identifiers: ClinVar variation 3755047 (VCV003755047.2).

ClinVar aggregate classification (germline): Uncertain significance (1 of 4 stars; one submission).

Conditions:
Amyotrophic lateral sclerosis type 1 (ALS1). Also called: AMYOTROPHIC LATERAL SCLEROSIS 1, FAMILIAL. Identifiers: Orphanet 803, MedGen C1862939, MONDO:0007103, OMIM 105400.
Neuronopathy, distal hereditary motor, type 7B. Also called: HMN VIIB; LOWER MOTOR NEURON DISEASE, DYNACTIN TYPE; NEURONOPATHY, DISTAL HEREDITARY MOTOR, AUTOSOMAL DOMINANT 14; NEURONOPATHY, DISTAL HEREDITARY MOTOR, HARDING TYPE VIIB; NEUROPATHY, DISTAL HEREDITARY MOTOR, HARDING TYPE VIIB; NEUROPATHY, DISTAL HEREDITARY MOTOR, WITH VOCAL CORD PARALYSIS, HARDING TYPE VIIB. Identifiers: Orphanet 139589, MedGen C1843315, MONDO:0011879, OMIM 607641.
Perry syndrome. Also called: PARKINSONISM WITH ALVEOLAR HYPOVENTILATION AND MENTAL DEPRESSION. Identifiers: Orphanet 178509, MedGen C1868594, MONDO:0008201, OMIM 168605.

gnomAD v4.1: 10 of 1,613,960 alleles (0.00062%); highest among the groups gnomAD compares: African/African-American, 0.0027%; no homozygotes.

Submission:

Labcorp Genetics (formerly Invitae), Labcorp
Classification: Uncertain significance for Amyotrophic lateral sclerosis type 1; Neuronopathy, distal hereditary motor, type 7B; Perry syndrome. Last evaluated: 2024-12-20. Review status: criteria provided, single submitter. Criteria: Invitae Variant Classification Sherloc (09022015). Collection method: clinical testing. Allele origin: germline.
Comment: This sequence change replaces arginine, which is basic and polar, with cysteine, which is neutral and slightly polar, at codon 455 of the DCTN1 protein (p.Arg455Cys). This variant is not present in population databases (gnomAD no frequency). This variant has not been reported in the literature in individuals affected with DCTN1-related conditions. Invitae Evidence Modeling of protein sequence and biophysical properties (such as structural, functional, and spatial information, amino acid conservation, physicochemical variation, residue mobility, and thermodynamic stability) has been performed for this missense variant. However, the output from this modeling did not meet the statistical confidence thresholds required to predict the impact of this variant on DCTN1 protein function. In summary, the available evidence is currently insufficient to determine the role of this variant in disease. Therefore, it has been classified as a Variant of Uncertain Significance.